The following is an entry in ClinVar:

NM_018972.4(GDAP1):c.929G>A (p.Arg310Gln)

Gene: GDAP1 (ganglioside induced differentiation associated protein 1; plus strand). Cytogenetic location: 8q21.11.
Variant type: single nucleotide variant.
Coding change: c.929G>A on transcript NM_018972.4 (MANE Select); coding-DNA position 929, G replaced by A.
Protein change: p.Arg310Gln; replaces arginine 310 with glutamine.
Molecular consequence: missense variant. On other transcripts: intron variant (1).
Genome position (GRCh38, 1-based): chr8:74,364,219, G>A. VCF-style: chr8-74364219-G-A. GRCh37 (hg19) VCF-style: chr8-75276454-G-A.
Other names: c.725G>A, p.Arg242Gln (NM_001040875.4); c.602G>A, p.Arg201Gln (NM_001362929.2, NM_001362932.2); c.755G>A, p.Arg252Gln (NM_001362930.2); c.694+1166G>A (NM_001362931.2); short protein forms R310Q, R201Q, R252Q, R242Q.
Identifiers: ClinVar variation 449535 (VCV000449535.18), dbSNP rs1323153568, ClinGen allele CA371550563.

ClinVar aggregate classification (germline): Pathogenic/Likely pathogenic. Review status: criteria provided, multiple submitters, no conflicts (2 of 4 stars). 6 submissions from 6 submitters: Pathogenic (3); Likely pathogenic (1). 2 of the submissions do not count toward it. Last evaluated 2024-11-22.

Conditions:
Charcot-Marie-Tooth disease. Also called: Charcot-Marie-Tooth Neuropathy; Charcot-Marie-Tooth Hereditary Neuropathy. Identifiers: Orphanet 166, MedGen C0007959, MONDO:0015626.
Charcot-Marie-Tooth disease type 4A. Also called: Charcot-Marie-Tooth disease, demyelinating, autosomal recessive, type 4a. Identifiers: Orphanet 99948, MedGen C1859198, MONDO:0008961, OMIM 214400.
Charcot-Marie-Tooth disease axonal type 2K (CMT2K). Also called: CHARCOT-MARIE-TOOTH DISEASE, AXONAL, AUTOSOMAL RECESSIVE, TYPE 2K; CHARCOT-MARIE-TOOTH NEUROPATHY, AXONAL, TYPE 2K; Charcot-Marie-Tooth disease type 2K. Identifiers: Orphanet 101097, Orphanet 99944, MedGen C1842983, MONDO:0011916, OMIM 607831.

Allele frequency attached by ClinVar (database versions not stated): gnomAD below 0.00001 and 0.00001; gnomAD exomes below 0.00001; TOPMed 0.00001.
gnomAD v4.1: 3 of 1,613,990 alleles (0.00019%); highest among the groups gnomAD compares: South Asian, 0.0022%; no homozygotes.

Submissions (6):

Labcorp Genetics (formerly Invitae), Labcorp
Classification: Pathogenic for Charcot-Marie-Tooth disease type 4A. Last evaluated: 2024-11-22. Review status: criteria provided, single submitter. Criteria: Invitae Variant Classification Sherloc (09022015). Collection method: clinical testing. Allele origin: germline.
Comment: This sequence change replaces arginine, which is basic and polar, with glutamine, which is neutral and polar, at codon 310 of the GDAP1 protein (p.Arg310Gln). This variant is present in population databases (no rsID available, gnomAD 0.0009%). This missense change has been observed in individual(s) with autosomal recessive Charcot-Marie-Tooth disease (PMID: 12868504). In at least one individual the data is consistent with being in trans (on the opposite chromosome) from a pathogenic variant. It has also been observed to segregate with disease in related individuals. ClinVar contains an entry for this variant (Variation ID: 449535). Invitae Evidence Modeling of protein sequence and biophysical properties (such as structural, functional, and spatial information, amino acid conservation, physicochemical variation, residue mobility, and thermodynamic stability) has been performed for this missense variant. However, the output from this modeling did not meet the statistical confidence thresholds required to predict the impact of this variant on GDAP1 protein function. Experimental studies have shown that this missense change affects GDAP1 function (PMID: 16172208, 19340293, 19782751, 21965300, 23628762, 27841286). This variant disrupts the p.Arg310 amino acid residue in GDAP1. Other variant(s) that disrupt this residue have been observed in individuals with GDAP1-related conditions (PMID: 28244113), which suggests that this may be a clinically significant amino acid residue. For these reasons, this variant has been classified as Pathogenic.

Women's Health and Genetics/Laboratory Corporation of America, LabCorp
Classification: Likely pathogenic for Charcot-Marie-Tooth disease type 4A. Last evaluated: 2024-09-25. Review status: criteria provided, single submitter. Criteria: LabCorp Variant Classification Summary - May 2015. Collection method: clinical testing. Allele origin: germline.
Comment: Variant summary: GDAP1 c.929G>A (p.Arg310Gln) results in a conservative amino acid change in the encoded protein sequence. Four of five in-silico tools predict a damaging effect of the variant on protein function. The variant allele was found at a frequency of 4e-06 in 251416 control chromosomes. c.929G>A has been reported in the literature in the compound heterozygous state with a pathogenic truncation in at least 2 related individuals affected with Charcot-Marie-Tooth disease type 4A (example, Azzedine_2003) . These data indicate that the variant may be associated with disease. At least one publication reports experimental evidence evaluating an impact on protein function. The most pronounced variant effect results in 10%-<30% of normal activity in vitro (example, Huber_2013, Niemann_2009, Noack_2012). The following publications have been ascertained in the context of this evaluation (PMID: 12868504, 23628762, 19782751, 21965300). ClinVar contains an entry for this variant (Variation ID: 449535). Based on the evidence outlined above, the variant was classified as likely pathogenic.

Mayo Clinic Laboratories, Mayo Clinic
Classification: Pathogenic. Last evaluated: 2020-10-13. Review status: criteria provided, single submitter. Criteria: ACMG Guidelines, 2015. Collection method: clinical testing. Allele origin: germline. Observed: 1 variant allele.
Comment: PS3, PM2, PM3, PM5, PP1, PP3

GeneDx
Classification: Pathogenic. Last evaluated: 2017-07-14. Review status: criteria provided, single submitter. Criteria: GeneDx Variant Classification (06012015). Collection method: clinical testing. Allele origin: germline. Affected: yes.
Comment: The R310Q pathogenic variant in the GDAP1 gene has been previously reported with a pathogenic variant on the opposite allele (in trans) as a in two siblings with with autosomal recessive CMT (Azzedine et al., 2003). Functional studies demonstrate that R310Q induces peroxisomal fission and allows fusion of the mitochondrial matrix (Huber et al., 2013). The R310Q variant is not observed in large population cohorts (Lek et al., 2016; 1000 Genomes Consortium et al., 2015; Exome Variant Server). The R310Q variant is a semi-conservative amino acid substitution, which may impact secondary protein structure as these residues differ in some properties. This substitution occurs at a position that is conserved across species. Therefore, R282C is interpreted to be a pathogenic variant.

Inherited Neuropathy Consortium Ii, University Of Miami
Classification: Uncertain significance for Charcot-Marie-Tooth disease axonal type 2K. Last evaluated: 2016-01-06. Review status: no assertion criteria provided. Collection method: literature only. Allele origin: germline. Affected: yes. Not counted in ClinVar's aggregate classification.

Inherited Neuropathy Consortium
Classification: Uncertain significance for Charcot-Marie-Tooth disease. Review status: no assertion criteria provided. Collection method: literature only. Allele origin: germline. Affected: yes. Not counted in ClinVar's aggregate classification.

Literature cited by the submitters: PubMed 12868504 (cited by 5 submitters); PubMed 16172208 (cited by Labcorp Genetics (formerly Invitae), Labcorp and Mayo Clinic Laboratories, Mayo Clinic); PubMed 19340293 (cited by Labcorp Genetics (formerly Invitae), Labcorp and Mayo Clinic Laboratories, Mayo Clinic); PubMed 19782751 (cited by Labcorp Genetics (formerly Invitae), Labcorp and Women's Health and Genetics/Laboratory Corporation of America, LabCorp); PubMed 21965300 (cited by 3 submitters); PubMed 23628762 (cited by 3 submitters); PubMed 27841286 (cited by Labcorp Genetics (formerly Invitae), Labcorp); PubMed 28244113 (cited by Labcorp Genetics (formerly Invitae), Labcorp).